The following is an entry in ClinVar:

ClinVar aggregate classification (germline): Pathogenic/Likely pathogenic. Review status: criteria provided, multiple submitters, no conflicts (2 of 4 stars). 2 submissions from 2 submitters: Pathogenic (1); Likely pathogenic (1). Last evaluated 2024-05-08.

Conditions:
L-2-hydroxyglutaric aciduria (L2HGA). Identifiers: Orphanet 79314, MedGen C1855995, MONDO:0009370, OMIM 236792, HP:0040144.
L2HGDH-related disorders.

Submissions (2):

Labcorp Genetics (formerly Invitae), Labcorp
Classification: Pathogenic for L-2-hydroxyglutaric aciduria. Last evaluated: 2024-05-08. Review status: criteria provided, single submitter. Criteria: Invitae Variant Classification Sherloc (09022015). Collection method: clinical testing. Allele origin: germline.
Comment: This sequence change creates a premature translational stop signal (p.Tyr285Thrfs*4) in the L2HGDH gene. It is expected to result in an absent or disrupted protein product. Loss-of-function variants in L2HGDH are known to be pathogenic (PMID: 16134148, 20052767). This variant is present in population databases (rs748910382, gnomAD 0.009%). This variant has not been reported in the literature in individuals affected with L2HGDH-related conditions. ClinVar contains an entry for this variant (Variation ID: 1448939). For these reasons, this variant has been classified as Pathogenic.

Blueprint Genetics
Classification: Likely pathogenic for L2HGDH-related disorders. Last evaluated: 2023-11-17. Review status: criteria provided, single submitter. Criteria: ACMG Guidelines, 2015. Collection method: clinical testing. Allele origin: germline. Affected: yes. Observed: 1 variant allele.

Literature cited by the submitters: PubMed 16134148 (cited by Labcorp Genetics (formerly Invitae), Labcorp); PubMed 20052767 (cited by Labcorp Genetics (formerly Invitae), Labcorp).

NM_024884.3(L2HGDH):c.853del (p.Tyr285fs)

Gene: L2HGDH (L-2-hydroxyglutarate dehydrogenase; minus strand). Cytogenetic location: 14q21.3.
Variant type: Deletion.
Coding change: c.853del on transcript NM_024884.3 (MANE Select); coding-DNA position 853, one base deleted (T; older notation c.853delT).
Protein change: p.Tyr285fs; shifts the reading frame from tyrosine 285.
Molecular consequence: frameshift variant.
Genome position (GRCh38, 1-based): chr14:50,269,216, A deleted on the plus strand (T on the coding strand, the reverse complement: L2HGDH is on the minus strand); the first of 2 consecutive A bases (chr14:50,269,216-50,269,217); deleting either gives the same sequence. VCF-style (leftmost placement, unchanged base first): chr14-50269215-TA-T. GRCh37 (hg19) VCF-style: chr14-50735933-TA-T.
Other names: short protein forms Y285fs.
Identifiers: ClinVar variation 1448939 (VCV001448939.7), dbSNP rs748910382, ClinGen allele CA7177873.